The following is an entry in ClinVar:

NM_205850.3(SLC24A5):c.410T>C (p.Ile137Thr)

Gene: SLC24A5 (solute carrier family 24 member 5; plus strand). Cytogenetic location: 15q21.1.
Variant type: single nucleotide variant.
Coding change: c.410T>C on transcript NM_205850.3 (MANE Select); coding-DNA position 410, T replaced by C.
Protein change: p.Ile137Thr; replaces isoleucine 137 with threonine.
Molecular consequence: missense variant.
Genome position (GRCh38, 1-based): chr15:48,134,459, T>C. VCF-style: chr15-48134459-T-C. GRCh37 (hg19) VCF-style: chr15-48426656-T-C.
Other names: short protein forms I137T.
Identifiers: ClinVar variation 1924713 (VCV001924713.3), dbSNP rs747579135, ClinGen allele CA7545870.

ClinVar aggregate classification (germline): Uncertain significance (1 of 4 stars; one submission).

Allele frequency attached by ClinVar (database versions not stated): gnomAD 0.00001; TOPMed 0.00001; ExAC 0.00002; gnomAD exomes 0.00002.
gnomAD v4.1: 38 of 1,613,448 alleles (0.0024%); highest among the groups gnomAD compares: Admixed American, 0.012%; no homozygotes.

Submission:

Labcorp Genetics (formerly Invitae), Labcorp
Classification: Uncertain significance. Last evaluated: 2023-10-13. Review status: criteria provided, single submitter. Criteria: Invitae Variant Classification Sherloc (09022015). Collection method: clinical testing. Allele origin: germline.
Comment: This sequence change replaces isoleucine, which is neutral and non-polar, with threonine, which is neutral and polar, at codon 137 of the SLC24A5 protein (p.Ile137Thr). This variant is present in population databases (rs747579135, gnomAD 0.01%). This variant has not been reported in the literature in individuals affected with SLC24A5-related conditions. ClinVar contains an entry for this variant (Variation ID: 1924713). Advanced modeling of protein sequence and biophysical properties (such as structural, functional, and spatial information, amino acid conservation, physicochemical variation, residue mobility, and thermodynamic stability) has been performed at Invitae for this missense variant, however the output from this modeling did not meet the statistical confidence thresholds required to predict the impact of this variant on SLC24A5 protein function. In summary, the available evidence is currently insufficient to determine the role of this variant in disease. Therefore, it has been classified as a Variant of Uncertain Significance.